The following is an entry in ClinVar:

ClinVar aggregate classification (germline): Uncertain significance. Review status: criteria provided, multiple submitters, no conflicts (2 of 4 stars). 2 submissions from 2 submitters: Uncertain significance (2). Last evaluated 2025-08-04.

Conditions:
Paroxysmal nonkinesigenic dyskinesia. Also called: Paroxysmal non-kinesigenic dyskinesia. Identifiers: Orphanet 98810, MedGen C1869117, MONDO:0700088.
Inborn genetic diseases. Identifiers: MedGen C0950123, MeSH D030342.

Allele frequency attached by ClinVar (database versions not stated): gnomAD exomes below 0.00001; gnomAD 0.00001; TOPMed 0.00002.
gnomAD v4.1: 8 of 1,613,838 alleles (0.0005%); highest among the groups gnomAD compares: South Asian, 0.0011%; no homozygotes.

Submissions (2):

Labcorp Genetics (formerly Invitae), Labcorp
Classification: Uncertain significance for Paroxysmal nonkinesigenic dyskinesia. Last evaluated: 2025-08-04. Review status: criteria provided, single submitter. Criteria: Invitae Variant Classification Sherloc (09022015). Collection method: clinical testing. Allele origin: germline.
Comment: This sequence change replaces proline, which is neutral and non-polar, with leucine, which is neutral and non-polar, at codon 358 of the PNKD protein (p.Pro358Leu). This variant is present in population databases (no rsID available, gnomAD 0.003%). This variant has not been reported in the literature in individuals affected with PNKD-related conditions. ClinVar contains an entry for this variant (Variation ID: 1500864). An algorithm developed to predict the effect of missense changes on protein structure and function outputs the following: PolyPhen-2: "Benign". The leucine amino acid residue is found in multiple mammalian species, which suggests that this missense change does not adversely affect protein function. In summary, the available evidence is currently insufficient to determine the role of this variant in disease. Therefore, it has been classified as a Variant of Uncertain Significance.

Ambry Genetics
Classification: Uncertain significance for Inborn genetic diseases. Last evaluated: 2022-10-25. Review status: criteria provided, single submitter. Criteria: Ambry Variant Classification Scheme 2023. Collection method: clinical testing. Allele origin: germline.

NM_015488.5(PNKD):c.1073C>T (p.Pro358Leu)

Genes: CATIP-AS2 (CATIP antisense RNA 2; minus strand), PNKD (PNKD metallo-beta-lactamase domain containing; plus strand). Cytogenetic location: 2q35.
Variant type: single nucleotide variant.
Coding change: c.1073C>T on transcript NM_015488.5 (MANE Select); coding-DNA position 1073, C replaced by T.
Protein change: p.Pro358Leu; replaces proline 358 with leucine.
Molecular consequence: missense variant.
Genome position (GRCh38, 1-based): chr2:218,344,896, C>T. VCF-style: chr2-218344896-C-T. GRCh37 (hg19) VCF-style: chr2-219209619-C-T.
Other names: c.1001C>T, p.Pro334Leu (NM_022572.5); short protein forms P358L, P334L.
Identifiers: ClinVar variation 1500864 (VCV001500864.9), dbSNP rs1161443837, ClinGen allele CA350543850.
Genomic context (GRCh38, chr2:218,344,896, plus strand): 5'-CCTACAACCCGTTCCTGAGAACCCACTGCCTGGCGCTACAGGAGGCTCTGGGGCCGGGGC[C>T]GGGCCCCACTGGGGATGATGACTACTCCCGGGCCCAGCTCCTGGAAGAGCTCCGCCGGCT-3'
Protein context (NP_056303.3, residues 348-368): LALQEALGPG[Pro358Leu]GPTGDDDYSR